The following is an entry in ClinVar:

ClinVar aggregate classification (germline): Pathogenic (1 of 4 stars; one submission).

Conditions:
Congenital factor V deficiency. Also called: LABILE FACTOR DEFICIENCY; OWREN PARAHEMOPHILIA; PARAHEMOPHILIA; Hereditary factor V deficiency disease. Identifiers: Orphanet 326, MedGen C0015499, MONDO:0009210, OMIM 227400.

Submission:

Labcorp Genetics (formerly Invitae), Labcorp
Classification: Pathogenic for Congenital factor V deficiency. Last evaluated: 2023-03-09. Review status: criteria provided, single submitter. Criteria: Invitae Variant Classification Sherloc (09022015). Collection method: clinical testing. Allele origin: unknown.
Comment: For these reasons, this variant has been classified as Pathogenic. This variant disrupts a region of the F5 protein in which other variant(s) (p.Val1841Met) have been determined to be pathogenic (PMID: 12816860, 18192108). This suggests that this is a clinically significant region of the protein, and that variants that disrupt it are likely to be disease-causing. This variant has not been reported in the literature in individuals affected with F5-related conditions. This variant is a gross deletion of the genomic region encompassing exon(s) 17 of the F5 gene. This variant would be expected to be in-frame, preserving the integrity of the reading frame.

Literature cited by the submitters: PubMed 12816860; PubMed 18192108.

NC_000001.10:g.(?_169497133)_(169497352_?)del

Gene: F5 (coagulation factor V; minus strand). Cytogenetic location: 1q24.2.
Variant type: Deletion.
Identifiers: ClinVar variation 3247627 (VCV003247627.1).